The following is an entry in ClinVar:

ClinVar aggregate classification (germline): Uncertain significance (1 of 4 stars; one submission).

Conditions:
Familial thoracic aortic aneurysm and aortic dissection (TAAD). Also called: Thoracic aortic aneurysms and dissections. Identifiers: Orphanet 91387, MedGen C4707243, MONDO:0019625.

gnomAD v4.1: 6 of 1,614,112 alleles (0.00037%); highest among the groups gnomAD compares: Non-Finnish European, 0.00051%; no homozygotes.

Submission:

Ambry Genetics
Classification: Uncertain significance for Familial thoracic aortic aneurysm and aortic dissection. Last evaluated: 2023-02-24. Review status: criteria provided, single submitter. Criteria: Ambry Variant Classification Scheme 2023. Collection method: clinical testing. Allele origin: germline.
Comment: The p.I1161M variant (also known as c.3483C>G), located in coding exon 44 of the COL5A1 gene, results from a C to G substitution at nucleotide position 3483. The isoleucine at codon 1161 is replaced by methionine, an amino acid with highly similar properties. This amino acid position is not well conserved in available vertebrate species. In addition, this alteration is predicted to be tolerated by in silico analysis. Since supporting evidence is limited at this time, the clinical significance of this alteration remains unclear.

NM_000093.5(COL5A1):c.3483C>G (p.Ile1161Met)

Gene: COL5A1 (collagen type V alpha 1 chain; plus strand). Cytogenetic location: 9q34.3.
Variant type: single nucleotide variant.
Coding change: c.3483C>G on transcript NM_000093.5 (MANE Select); coding-DNA position 3483, C replaced by G.
Protein change: p.Ile1161Met; replaces isoleucine 1161 with methionine.
Molecular consequence: missense variant.
Genome position (GRCh38, 1-based): chr9:134,810,263, C>G. VCF-style: chr9-134810263-C-G. GRCh37 (hg19) VCF-style: chr9-137702109-C-G.
Other names: c.3483C>G, p.Ile1161Met (NM_001278074.1); short protein forms I1161M.
Identifiers: ClinVar variation 2448291 (VCV002448291.2), dbSNP rs576483507, ClinGen allele CA375453575.
Genomic context (GRCh38, chr9:134,810,263, plus strand): 5'-GGTCCAAACGGTTGTCAAGCTTTCTAACCGAATCCCCCACACCTTCCCCTAGGGAGAGAT[C>G]GGGGAGCCGGGGCAGAAAGGAAGCAAGGGGGACAAAGGAGAACAGGTAAGTATTGGCACG-3'
Protein context (NP_000084.3, residues 1151-1171): PPGEDGDKGE[Ile1161Met]GEPGQKGSKG